The following is an entry in ClinVar:

NM_001082486.2(ACD):c.175C>G (p.Leu59Val)

Gene: ACD (ACD shelterin complex subunit and telomerase recruitment factor; minus strand). Cytogenetic location: 16q22.1.
Variant type: single nucleotide variant.
Coding change: c.175C>G on transcript NM_001082486.2 (MANE Select); coding-DNA position 175, C replaced by G.
Protein change: p.Leu59Val; replaces leucine 59 with valine.
Molecular consequence: missense variant.
Genome position (GRCh38, 1-based): chr16:67,659,970, G>C on the plus strand (C>G on the coding strand, the complement: ACD is on the minus strand). VCF-style: chr16-67659970-G-C. GRCh37 (hg19) VCF-style: chr16-67693873-G-C.
Other names: c.175C>G, p.Leu59Val (NM_001410884.1); c.166C>G, p.Leu56Val (NM_022914.3); short protein forms L59V, L56V.
Identifiers: ClinVar variation 1739840 (VCV001739840.2), dbSNP rs368387402, ClinGen allele CA8114798.

ClinVar aggregate classification (germline): Uncertain significance (1 of 4 stars; one submission).

Conditions:
Inborn genetic diseases. Identifiers: MedGen C0950123, MeSH D030342.

Submission:

Ambry Genetics
Classification: Uncertain significance for Inborn genetic diseases. Last evaluated: 2024-02-22. Review status: criteria provided, single submitter. Criteria: Ambry Variant Classification Scheme 2023. Collection method: clinical testing. Allele origin: germline.
Comment: The p.L145V variant (also known as c.433C>G), located in coding exon 2 of the ACD gene, results from a C to G substitution at nucleotide position 433. The leucine at codon 145 is replaced by valine, an amino acid with highly similar properties. This amino acid position is conserved. In addition, this alteration is predicted to be tolerated by in silico analysis. Since supporting evidence is limited at this time, the clinical significance of this alteration remains unclear.